The following is an entry in ClinVar:

NM_002860.4(ALDH18A1):c.1233G>T (p.Leu411Phe)

Gene: ALDH18A1 (aldehyde dehydrogenase 18 family member A1; minus strand). Cytogenetic location: 10q24.1.
Variant type: single nucleotide variant.
Coding change: c.1233G>T on transcript NM_002860.4 (MANE Select); coding-DNA position 1233, G replaced by T.
Protein change: p.Leu411Phe; replaces leucine 411 with phenylalanine.
Molecular consequence: missense variant.
Genome position (GRCh38, 1-based): chr10:95,625,375, C>A on the plus strand (G>T on the coding strand, the complement: ALDH18A1 is on the minus strand). VCF-style: chr10-95625375-C-A. GRCh37 (hg19) VCF-style: chr10-97385132-C-A.
Other names: c.1227G>T, p.Leu409Phe (NM_001017423.2, NM_001323415.2); c.900G>T, p.Leu300Phe (NM_001323412.2, NM_001323416.2); c.1233G>T, p.Leu411Phe (NM_001323413.2, NM_001323414.2); c.1128G>T, p.Leu376Phe (NM_001323417.2); c.894G>T, p.Leu298Phe (NM_001323418.2); c.597G>T, p.Leu199Phe (NM_001323419.2); short protein forms L411F, L300F, L376F, L199F, L409F, L298F.
Identifiers: ClinVar variation 578899 (VCV000578899.12), dbSNP rs758828421, ClinGen allele CA5620388.
Genomic context (GRCh38, chr10:95,625,375, plus strand): 5'-AATGCACACCCCTCCACAACATTGACTTTAAATTGCCTGGTCTTTACCCTCTGCCTCCTC[C>A]AAGTCTTTTTTGTTGGCTAACAGGATCTCATCACGCTGGTCCGTCAACAGATCAGCCAGA-3'
Protein context (NP_002851.2, residues 401-421): DEILLANKKD[Leu411Phe]EEAEGRLAAP

ClinVar aggregate classification (germline): Uncertain significance. Review status: criteria provided, multiple submitters, no conflicts (2 of 4 stars). 3 submissions from 3 submitters: Uncertain significance (3). Last evaluated 2025-11-27.

Conditions:
Autosomal dominant spastic paraplegia type 9. Identifiers: MedGen C1832669, MONDO:0015091.
Cutis laxa, autosomal dominant 3 (ADCL3). Identifiers: Orphanet 90348, MedGen C4225268, MONDO:0014706, OMIM 616603.
de Barsy syndrome. Also called: Cutis laxa-corneal clouding-oligophrenia syndrome. Identifiers: Orphanet 2962, MedGen C0268354, MONDO:0017569.

Allele frequency attached by ClinVar (database versions not stated): ExAC 0.00001; gnomAD 0.00001; gnomAD exomes below 0.00001; TOPMed 0.00003.
gnomAD v4.1: 22 of 1,613,956 alleles (0.0014%); highest among the groups gnomAD compares: East Asian, 0.0045%; no homozygotes.

Submissions (3):

Labcorp Genetics (formerly Invitae), Labcorp
Classification: Uncertain significance for Autosomal dominant spastic paraplegia type 9; de Barsy syndrome; Cutis laxa, autosomal dominant 3. Last evaluated: 2025-11-27. Review status: criteria provided, single submitter. Criteria: Invitae Variant Classification Sherloc (09022015). Collection method: clinical testing. Allele origin: germline.
Comment: This sequence change replaces leucine, which is neutral and non-polar, with phenylalanine, which is neutral and non-polar, at codon 411 of the ALDH18A1 protein (p.Leu411Phe). This variant is present in population databases (rs758828421, gnomAD 0.01%). This variant has not been reported in the literature in individuals affected with ALDH18A1-related conditions. ClinVar contains an entry for this variant (Variation ID: 578899). Invitae Evidence Modeling of protein sequence and biophysical properties (such as structural, functional, and spatial information, amino acid conservation, physicochemical variation, residue mobility, and thermodynamic stability) has been performed for this missense variant. However, the output from this modeling did not meet the statistical confidence thresholds required to predict the impact of this variant on ALDH18A1 protein function. In summary, the available evidence is currently insufficient to determine the role of this variant in disease. Therefore, it has been classified as a Variant of Uncertain Significance.

Women's Health and Genetics/Laboratory Corporation of America, LabCorp
Classification: Uncertain significance. Last evaluated: 2024-06-24. Review status: criteria provided, single submitter. Criteria: LabCorp Variant Classification Summary - May 2015. Collection method: clinical testing. Allele origin: germline.
Comment: Variant summary: ALDH18A1 c.1233G>T (p.Leu411Phe) results in a non-conservative amino acid change located in the Aldehyde dehydrogenase domain (IPR015590) of the encoded protein sequence. Five of five in-silico tools predict a damaging effect of the variant on protein function. The variant allele was found at a frequency of 8e-06 in 251486 control chromosomes (gnomAD). The available data on variant occurrences in the general population are insufficient to allow any conclusion about variant significance. c.1233G>T has been reported in the literature in an individuals affected with Lipoedema without strong evidence of causality (Michelini_2022). This report does not provide unequivocal conclusions about association of the variant with ALDH18A1-Related Disorder. To our knowledge, no experimental evidence demonstrating an impact on protein function has been reported. The following publication has been ascertained in the context of this evaluation (PMID: 35207755). ClinVar contains an entry for this variant (Variation ID: 578899). Based on the evidence outlined above, the variant was classified as uncertain significance.

GeneDx
Classification: Uncertain significance. Last evaluated: 2024-05-29. Review status: criteria provided, single submitter. Criteria: GeneDx Variant Classification Process June 2021. Collection method: clinical testing. Allele origin: germline. Affected: yes.
Comment: Has been reported in a child with lipedema (PMID: 35207755); In silico analysis supports that this missense variant has a deleterious effect on protein structure/function; This variant is associated with the following publications: (PMID: 35207755)

Literature cited by the submitters: PubMed 35207755 (cited by Women's Health and Genetics/Laboratory Corporation of America, LabCorp).